The following is an entry in ClinVar:

NM_000550.3(TYRP1):c.8C>T (p.Ala3Val)

Gene: TYRP1 (tyrosinase related protein 1; plus strand). Cytogenetic location: 9p23.
Variant type: single nucleotide variant.
Coding change: c.8C>T on transcript NM_000550.3 (MANE Select); coding-DNA position 8, C replaced by T.
Protein change: p.Ala3Val; replaces alanine 3 with valine.
Molecular consequence: missense variant.
Genome position (GRCh38, 1-based): chr9:12,694,004, C>T. VCF-style: chr9-12694004-C-T. GRCh37 (hg19) VCF-style: chr9-12694004-C-T.
Other names: short protein forms A3V.
Identifiers: ClinVar variation 2096557 (VCV002096557.3), dbSNP rs1663304702, ClinGen allele CA372935931.

ClinVar aggregate classification (germline): Uncertain significance (1 of 4 stars; one submission).

gnomAD v4.1: 2 of 1,614,000 alleles (0.00012%); highest among the groups gnomAD compares: East Asian, 0.0022%; no homozygotes.

Submission:

Labcorp Genetics (formerly Invitae), Labcorp
Classification: Uncertain significance. Last evaluated: 2024-03-11. Review status: criteria provided, single submitter. Criteria: Invitae Variant Classification Sherloc (09022015). Collection method: clinical testing. Allele origin: germline.
Comment: This sequence change replaces alanine, which is neutral and non-polar, with valine, which is neutral and non-polar, at codon 3 of the TYRP1 protein (p.Ala3Val). This variant is not present in population databases (gnomAD no frequency). This variant has not been reported in the literature in individuals affected with TYRP1-related conditions. ClinVar contains an entry for this variant (Variation ID: 2096557). Algorithms developed to predict the effect of missense changes on protein structure and function output the following: SIFT: "Not Available"; PolyPhen-2: "Benign"; Align-GVGD: "Not Available". The valine amino acid residue is found in multiple mammalian species, which suggests that this missense change does not adversely affect protein function. In summary, the available evidence is currently insufficient to determine the role of this variant in disease. Therefore, it has been classified as a Variant of Uncertain Significance.